The following is an entry in ClinVar:

ClinVar aggregate classification (germline): Uncertain significance (1 of 4 stars; one submission).

Allele frequency attached by ClinVar (database versions not stated): TOPMed 0.00002; gnomAD 0.00003.
gnomAD v4.1: 5 of 1,528,924 alleles (0.00033%); highest among the groups gnomAD compares: African/African-American, 0.0056%; no homozygotes.

Submission:

Labcorp Genetics (formerly Invitae), Labcorp
Classification: Uncertain significance. Last evaluated: 2023-08-16. Review status: criteria provided, single submitter. Criteria: Invitae Variant Classification Sherloc (09022015). Collection method: clinical testing. Allele origin: germline.
Comment: In summary, the available evidence is currently insufficient to determine the role of this variant in disease. Therefore, it has been classified as a Variant of Uncertain Significance. An algorithm developed to predict the effect of missense changes on protein structure and function (PolyPhen-2) suggests that this variant is likely to be tolerated. This variant has not been reported in the literature in individuals affected with NLGN2-related conditions. This variant is present in population databases (no rsID available, gnomAD 0.03%). This sequence change replaces glycine, which is neutral and non-polar, with serine, which is neutral and polar, at codon 733 of the NLGN2 protein (p.Gly733Ser).

NM_020795.4(NLGN2):c.2197G>A (p.Gly733Ser)

Gene: NLGN2 (neuroligin 2; plus strand). Cytogenetic location: 17p13.1.
Variant type: single nucleotide variant.
Coding change: c.2197G>A on transcript NM_020795.4 (MANE Select); coding-DNA position 2197, G replaced by A.
Protein change: p.Gly733Ser; replaces glycine 733 with serine.
Molecular consequence: missense variant.
Genome position (GRCh38, 1-based): chr17:7,417,488, G>A. VCF-style: chr17-7417488-G-A. GRCh37 (hg19) VCF-style: chr17-7320807-G-A.
Other names: short protein forms G733S.
Identifiers: ClinVar variation 2783809 (VCV002783809.3), dbSNP rs1240409149, ClinGen allele CA397834821.
Genomic context (GRCh38, chr17:7,417,488, plus strand): 5'-AGCCCACCTGGCGGCTCAGGCTCTGGCGTGCCTGGTGGGGGCCCCCTGCTCCCCGCCGCG[G>A]GCCGTGAGCTGCCACCAGAGGAGGAGCTGGTGTCACTGCAGCTGAAGCGGGGTGGTGGCG-3'
Protein context (NP_065846.1, residues 723-743): PGGGPLLPAA[Gly733Ser]RELPPEEELV